The following is an entry in ClinVar:

NM_001042492.3(NF1):c.1364G>T (p.Gly455Val)

Gene: NF1 (neurofibromin 1; plus strand). Cytogenetic location: 17q11.2.
Variant type: single nucleotide variant.
Coding change: c.1364G>T on transcript NM_001042492.3 (MANE Select); coding-DNA position 1364, G replaced by T.
Protein change: p.Gly455Val; replaces glycine 455 with valine.
Molecular consequence: missense variant.
Genome position (GRCh38, 1-based): chr17:31,206,343, G>T. VCF-style: chr17-31206343-G-T. GRCh37 (hg19) VCF-style: chr17-29533361-G-T.
Other names: c.1364G>T, p.Gly455Val (NM_000267.4, NM_001128147.3); short protein forms G455V.
Identifiers: ClinVar variation 1719850 (VCV001719850.5), dbSNP rs2143915100, ClinGen allele CA398999743.

ClinVar aggregate classification (germline): Uncertain significance (1 of 4 stars; one submission).

Conditions:
Neurofibromatosis, type 1 (NF1). Also called: Peripheral type neurofibromatosis; VON RECKLINGHAUSEN DISEASE; NEUROFIBROMATOSIS, TYPE I, SOMATIC; Neurofibromatosis, type I. Identifiers: Orphanet 636, MedGen C0027831, MONDO:0018975, OMIM 162200. Disease mechanism: loss of function.

Submission:

Labcorp Genetics (formerly Invitae), Labcorp
Classification: Uncertain significance for Neurofibromatosis, type 1. Last evaluated: 2022-09-20. Review status: criteria provided, single submitter. Criteria: Invitae Variant Classification Sherloc (09022015). Collection method: clinical testing. Allele origin: germline.
Comment: In summary, the available evidence is currently insufficient to determine the role of this variant in disease. Therefore, it has been classified as a Variant of Uncertain Significance. Advanced modeling of protein sequence and biophysical properties (such as structural, functional, and spatial information, amino acid conservation, physicochemical variation, residue mobility, and thermodynamic stability) performed at Invitae indicates that this missense variant is not expected to disrupt NF1 protein function. This variant has not been reported in the literature in individuals affected with NF1-related conditions. This variant is not present in population databases (gnomAD no frequency). This sequence change replaces glycine, which is neutral and non-polar, with valine, which is neutral and non-polar, at codon 455 of the NF1 protein (p.Gly455Val).